The following is an entry in ClinVar:

ClinVar aggregate classification (germline): Uncertain significance. Review status: criteria provided, multiple submitters, no conflicts (2 of 4 stars). 2 submissions from 2 submitters: Uncertain significance (2). Last evaluated 2025-09-11.

Conditions:
Hereditary cancer-predisposing syndrome. Also called: Neoplastic Syndromes, Hereditary; Tumor predisposition; Hereditary Cancer Syndrome; Hereditary neoplastic syndrome. Identifiers: Orphanet 140162, MedGen C0027672, MeSH D009386, MONDO:0015356.
Familial adenomatous polyposis 2. Also called: COLORECTAL ADENOMATOUS POLYPOSIS, AUTOSOMAL RECESSIVE; ADENOMAS, MULTIPLE COLORECTAL, AUTOSOMAL RECESSIVE; Adenomas, multiple colorectal; MYH-associated polyposis; MUTYH-associated polyposis; MUTYH-related attenuated familial adenomatous polyposis. Identifiers: Orphanet 220460, Orphanet 247798, MedGen C3272841, MONDO:0012041, OMIM 608456.

Submissions (2):

Ambry Genetics
Classification: Uncertain significance for Hereditary cancer-predisposing syndrome. Last evaluated: 2025-09-11. Review status: criteria provided, single submitter. Criteria: Ambry Variant Classification Scheme 2023. Collection method: clinical testing. Allele origin: germline.
Comment: The c.262A>C variant (also known as p.R88R), located in coding exon 3 of the MUTYH gene, results from an A to C substitution at nucleotide position 262. This nucleotide substitution does not change the at codon 88. This nucleotide position is well conserved in available vertebrate species. In silico splice site analysis predicts that this alteration will result in the creation or strengthening of a novel splice acceptor site; however, direct evidence is insufficient at this time (Ambry internal data). Based on the available evidence, the clinical significance of this variant remains unclear.

Labcorp Genetics (formerly Invitae), Labcorp
Classification: Uncertain significance for Familial adenomatous polyposis 2. Last evaluated: 2023-02-18. Review status: criteria provided, single submitter. Criteria: Invitae Variant Classification Sherloc (09022015). Collection method: clinical testing. Allele origin: germline.
Comment: This sequence change affects codon 88 of the MUTYH mRNA. It is a 'silent' change, meaning that it does not change the encoded amino acid sequence of the MUTYH protein. This variant is not present in population databases (gnomAD no frequency). This variant has not been reported in the literature in individuals affected with MUTYH-related conditions. Studies have shown this variant is associated with multiple exon 3 partial skipping events, but one or more of the resulting mRNA isoform(s) may be naturally occurring (Invitae). In summary, the available evidence is currently insufficient to determine the role of this variant in disease. Therefore, it has been classified as a Variant of Uncertain Significance.

NM_001048174.2(MUTYH):c.178A>C (p.Arg60=)

Gene: MUTYH (mutY DNA glycosylase; minus strand). Cytogenetic location: 1p34.1.
Variant type: single nucleotide variant.
Coding change: c.178A>C on transcript NM_001048174.2 (MANE Select); coding-DNA position 178, A replaced by C.
Protein change: p.Arg60=; no amino-acid change (arginine 60 retained).
Molecular consequence: synonymous variant. On other transcripts: 5 prime UTR variant (1), non-coding transcript variant (5), splice acceptor variant (5).
Genome position (GRCh38, 1-based): chr1:45,333,499, T>G on the plus strand (A>C on the coding strand, the complement: MUTYH is on the minus strand). VCF-style: chr1-45333499-T-G. GRCh37 (hg19) VCF-style: chr1-45799171-T-G.
Other names: c.178A>C, p.Arg60= (NM_001048171.2, NM_001048173.2, NM_001293195.2 and 6 more transcripts); c.181A>C, p.Arg61= (NM_001048172.2, NM_001407071.1, NM_001407078.1 and 2 more transcripts); c.262A>C, p.Arg88= (NM_001128425.2); c.223A>C, p.Arg75= (NM_001293190.2); c.211A>C, p.Arg71= (NM_001293191.2, NM_001407077.1); c.-94A>C (NM_001350650.2); c.253A>C, p.Arg85= (NM_001407069.1, NM_012222.3); c.220A>C, p.Arg74= (NM_001407073.1, NM_001407083.1, NM_001407085.1); and 4 more.
Identifiers: ClinVar variation 2029368 (VCV002029368.5), dbSNP rs2149174406, ClinGen allele CA417880475.